The following is an entry in ClinVar:

ClinVar aggregate classification (germline): Uncertain significance. Review status: criteria provided, multiple submitters, no conflicts (2 of 4 stars). 6 submissions from 6 submitters: Uncertain significance (5). 1 of the submissions does not count toward it. Last evaluated 2025-06-24.

Conditions:
Marfan syndrome (MFS). Also called: Marfan syndrome, classic; Marfan syndrome type 1; Marfan's syndrome; FBN1-Related Marfan Syndrome; MARFAN SYNDROME, TYPE I. Identifiers: Orphanet 284963, Orphanet 558, MedGen C0024796, MONDO:0007947, OMIM 154700.
Familial thoracic aortic aneurysm and aortic dissection (TAAD). Also called: Thoracic aortic aneurysms and dissections. Identifiers: Orphanet 91387, MedGen C4707243, MONDO:0019625.
FBN1-related disorder. Also called: FBN1-related disorders.

Allele frequency attached by ClinVar (database versions not stated): gnomAD exomes 0.00001; gnomAD 0.00001; ExAC 0.00002; TOPMed below 0.00001.
gnomAD v4.1: 17 of 1,613,972 alleles (0.0011%); highest among the groups gnomAD compares: South Asian, 0.0022%; no homozygotes.

Submissions (6):

ARUP Laboratories, Molecular Genetics and Genomics, ARUP Laboratories
Classification: Uncertain significance. Last evaluated: 2025-06-24. Review status: criteria provided, single submitter. Criteria: ARUP Molecular Germline Variant Investigation Process 2024. Collection method: clinical testing. Allele origin: germline.
Comment: The FBN1 c.4622G>A; p.Arg1541Gln variant (rs753491504), to our knowledge, is not reported in the medical literature but is reported in ClinVar (Variation ID: 925754). This variant is observed on two alleles in the Genome Aggregation Database (v2.1.1). Computational analyses predict that this variant is deleterious (REVEL: 0.835). Due to limited information, the clinical significance of this variant is uncertain at this time.

Color Diagnostics, LLC DBA Color Health
Classification: Uncertain significance for Familial thoracic aortic aneurysm and aortic dissection. Last evaluated: 2025-06-11. Review status: criteria provided, single submitter. Criteria: ACMG Guidelines, 2015. Collection method: clinical testing. Allele origin: germline.
Comment: This missense variant replaces arginine with glutamine at codon 1541 of the FBN1 protein. Computational prediction suggests that this variant may have a deleterious impact on protein structure and function. To our knowledge, functional studies have not been reported for this variant. This variant has not been reported in individuals affected with FBN1-related disorders in the literature. This variant has been identified in 2/251208 chromosomes in the general population by the Genome Aggregation Database (gnomAD). The available evidence is insufficient to determine the role of this variant in disease conclusively. Therefore, this variant is classified as a Variant of Uncertain Significance.

Labcorp Genetics (formerly Invitae), Labcorp
Classification: Uncertain significance for Marfan syndrome; Familial thoracic aortic aneurysm and aortic dissection. Last evaluated: 2024-10-16. Review status: criteria provided, single submitter. Criteria: Invitae Variant Classification Sherloc (09022015). Collection method: clinical testing. Allele origin: germline.
Comment: This sequence change replaces arginine, which is basic and polar, with glutamine, which is neutral and polar, at codon 1541 of the FBN1 protein (p.Arg1541Gln). This variant is present in population databases (rs753491504, gnomAD 0.003%). This variant has not been reported in the literature in individuals affected with FBN1-related conditions. ClinVar contains an entry for this variant (Variation ID: 925754). Invitae Evidence Modeling of protein sequence and biophysical properties (such as structural, functional, and spatial information, amino acid conservation, physicochemical variation, residue mobility, and thermodynamic stability) indicates that this missense variant is expected to disrupt FBN1 protein function with a positive predictive value of 95%. In summary, the available evidence is currently insufficient to determine the role of this variant in disease. Therefore, it has been classified as a Variant of Uncertain Significance.

GeneDx
Classification: Uncertain significance. Last evaluated: 2024-04-02. Review status: criteria provided, single submitter. Criteria: GeneDx Variant Classification Process June 2021. Collection method: clinical testing. Allele origin: germline. Affected: yes.
Comment: Has not been previously published as pathogenic or benign to our knowledge; Not observed at significant frequency in large population cohorts (gnomAD); In silico analysis supports that this missense variant has a deleterious effect on protein structure/function; Although located in a TGF-binding protein domain (aka TB domain or 8-Cysteine domain), it does not affect a cysteine residue within this domain; other missense substitutions that affect cysteine residues within this TGF-binding protein domain have been reported in association with various FBN1-related phenotypes (HGMD)

All of Us Research Program, National Institutes of Health
Classification: Uncertain significance for Marfan syndrome. Last evaluated: 2023-08-08. Review status: criteria provided, single submitter. Criteria: ACMG Guidelines, 2015. Collection method: clinical testing. Allele origin: germline. Inheritance: Autosomal dominant inheritance. Observed: 1 variant allele, 1 heterozygote.
Comment: This missense variant replaces arginine with glutamine at codon 1541 of the FBN1 protein. Computational prediction suggests that this variant may have deleterious impact on protein structure and function (internally defined REVEL score threshold >= 0.7, PMID: 27666373). Splice site prediction tools suggest that this variant may not impact RNA splicing. To our knowledge, functional studies have not been performed for this variant. This variant has not been reported in individuals affected with cardiovascular disorders in the literature. This variant has been identified in 2/251208 chromosomes in the general population by the Genome Aggregation Database (gnomAD). The available evidence is insufficient to determine the role of this variant in disease conclusively. Therefore, this variant is classified as a Variant of Uncertain Significance.

This study involves interpretation of variants in research participants for the purpose of population health screening. Participant phenotype was not available at the time of variant classification. Additional details can be found in publication PMID: 35346344, PMCID: PMC8962531

PreventionGenetics, part of Exact Sciences
Classification: Uncertain significance for FBN1-related condition. Last evaluated: 2024-03-03. Review status: no assertion criteria provided. Collection method: clinical testing. Allele origin: germline. Not counted in ClinVar's aggregate classification.
Comment: The FBN1 c.4622G>A variant is predicted to result in the amino acid substitution p.Arg1541Gln. To our knowledge, this variant has not been reported in the literature. This variant is reported in 0.0033% of alleles in individuals of South Asian descent in gnomAD. At this time, the clinical significance of this variant is uncertain due to the absence of conclusive functional and genetic evidence.

NM_000138.5(FBN1):c.4622G>A (p.Arg1541Gln)

Gene: FBN1 (fibrillin 1; minus strand). Cytogenetic location: 15q21.1.
Variant type: single nucleotide variant.
Coding change: c.4622G>A on transcript NM_000138.5 (MANE Select); coding-DNA position 4622, G replaced by A.
Protein change: p.Arg1541Gln; replaces arginine 1541 with glutamine.
Molecular consequence: missense variant.
Genome position (GRCh38, 1-based): chr15:48,468,063, C>T on the plus strand (G>A on the coding strand, the complement: FBN1 is on the minus strand). VCF-style: chr15-48468063-C-T. GRCh37 (hg19) VCF-style: chr15-48760260-C-T.
Other names: short protein forms R1541Q.
Identifiers: ClinVar variation 925754 (VCV000925754.17), dbSNP rs753491504, ClinGen allele CA053448.